The following is an entry in ClinVar:

ClinVar aggregate classification (germline): Uncertain significance (1 of 4 stars; one submission).

Conditions:
Perlman syndrome (PRLMNS). Identifiers: Orphanet 2849, MedGen C0796113, MONDO:0009965, OMIM 267000.

Allele frequency attached by ClinVar (database versions not stated): gnomAD 0.00001; TOPMed 0.00001.
gnomAD v4.1: 1 of 1,612,946 alleles (0.000062%); highest among the groups gnomAD compares: Non-Finnish European, 0.000085%; no homozygotes.

Submission:

Labcorp Genetics (formerly Invitae), Labcorp
Classification: Uncertain significance for Perlman syndrome. Last evaluated: 2025-04-28. Review status: criteria provided, single submitter. Criteria: Invitae Variant Classification Sherloc (09022015). Collection method: clinical testing. Allele origin: germline.
Comment: This sequence change replaces leucine, which is neutral and non-polar, with valine, which is neutral and non-polar, at codon 374 of the DIS3L2 protein (p.Leu374Val). This variant is present in population databases (no rsID available, gnomAD 0.0009%). This variant has not been reported in the literature in individuals affected with DIS3L2-related conditions. ClinVar contains an entry for this variant (Variation ID: 2159031). Invitae Evidence Modeling of protein sequence and biophysical properties (such as structural, functional, and spatial information, amino acid conservation, physicochemical variation, residue mobility, and thermodynamic stability) indicates that this missense variant is not expected to disrupt DIS3L2 protein function with a negative predictive value of 80%. RNA analysis performed to evaluate the impact of this missense change on mRNA splicing indicates it does not significantly alter splicing (internal data). In summary, the available evidence is currently insufficient to determine the role of this variant in disease. Therefore, it has been classified as a Variant of Uncertain Significance.

NM_152383.5(DIS3L2):c.1120T>G (p.Leu374Val)

Gene: DIS3L2 (DIS3 like 3'-5' exoribonuclease 2; plus strand). Cytogenetic location: 2q37.1.
Variant type: single nucleotide variant.
Coding change: c.1120T>G on transcript NM_152383.5 (MANE Select); coding-DNA position 1120, T replaced by G.
Protein change: p.Leu374Val; replaces leucine 374 with valine.
Molecular consequence: missense variant. On other transcripts: non-coding transcript variant (2).
Genome position (GRCh38, 1-based): chr2:232,163,628, T>G. VCF-style: chr2-232163628-T-G. GRCh37 (hg19) VCF-style: chr2-233028338-T-G.
Other names: c.1120T>G, p.Leu374Val (NM_001257281.2); short protein forms L374V.
Identifiers: ClinVar variation 2159031 (VCV002159031.4), dbSNP rs945904815, ClinGen allele CA67514546.